The following is an entry in ClinVar:

NM_182914.3(SYNE2):c.4070C>T (p.Thr1357Met)

Gene: SYNE2 (spectrin repeat containing nuclear envelope protein 2; plus strand). Cytogenetic location: 14q23.2.
Variant type: single nucleotide variant.
Coding change: c.4070C>T on transcript NM_182914.3 (MANE Select); coding-DNA position 4070, C replaced by T.
Protein change: p.Thr1357Met; replaces threonine 1357 with methionine.
Molecular consequence: missense variant.
Genome position (GRCh38, 1-based): chr14:64,003,003, C>T. VCF-style: chr14-64003003-C-T. GRCh37 (hg19) VCF-style: chr14-64469721-C-T.
Other names: c.4070C>T, p.Thr1357Met (NM_015180.6); short protein forms T1357M.
Identifiers: ClinVar variation 313506 (VCV000313506.13), dbSNP rs769845003, ClinGen allele CA7220128.

ClinVar aggregate classification (germline): Benign/Likely benign. Review status: criteria provided, multiple submitters, no conflicts (2 of 4 stars). 2 submissions from 2 submitters: Benign (1); Likely benign (1). Last evaluated 2024-12-13.

Conditions:
Emery-Dreifuss muscular dystrophy 5, autosomal dominant (EDMD5). Also called: EMERY-DREIFUSS MUSCULAR DYSTROPHY 5. Identifiers: Orphanet 261, MedGen C2751805, MONDO:0013072, OMIM 612999.

Allele frequency attached by ClinVar (database versions not stated): TOPMed 0.00004; gnomAD 0.00005.
gnomAD v4.1: 40 of 1,613,942 alleles (0.0025%); highest among the groups gnomAD compares: East Asian, 0.062%; no homozygotes.

Submissions (2):

Labcorp Genetics (formerly Invitae), Labcorp
Classification: Likely benign for Emery-Dreifuss muscular dystrophy 5, autosomal dominant. Last evaluated: 2024-12-13. Review status: criteria provided, single submitter. Criteria: Invitae Variant Classification Sherloc (09022015). Collection method: clinical testing. Allele origin: germline.

Illumina Laboratory Services, Illumina
Classification: Benign for Emery-Dreifuss muscular dystrophy 5, autosomal dominant. Last evaluated: 2018-01-13. Review status: criteria provided, single submitter. Criteria: ICSL Variant Classification Criteria 13 December 2019. Collection method: clinical testing. Allele origin: germline.
Comment: This variant was observed in the ICSL laboratory as part of a predisposition screen in an ostensibly healthy population. It had not been previously curated by ICSL or reported in the Human Gene Mutation Database (HGMD: prior to June 1st, 2018), and was therefore a candidate for classification through an automated scoring system. Utilizing variant allele frequency, disease prevalence and penetrance estimates, and inheritance mode, an automated score was calculated to assess if this variant is too frequent to cause the disease. Based on the score and internal cut-off values, a variant classified as benign is not then subjected to further curation. The score for this variant resulted in a classification of benign for this disease.